The following is an entry in ClinVar:

NM_000284.4(PDHA1):c.790G>A (p.Glu264Lys)

Gene: PDHA1 (pyruvate dehydrogenase E1 subunit alpha 1; plus strand). Cytogenetic location: Xp22.12.
Variant type: single nucleotide variant.
Coding change: c.790G>A on transcript NM_000284.4 (MANE Select); coding-DNA position 790, G replaced by A.
Protein change: p.Glu264Lys; replaces glutamic acid 264 with lysine.
Molecular consequence: missense variant.
Genome position (GRCh38, 1-based): chrX:19,355,716, G>A. VCF-style: chrX-19355716-G-A. GRCh37 (hg19) VCF-style: chrX-19373834-G-A.
Other names: c.904G>A, p.Glu302Lys (NM_001173454.2); c.811G>A, p.Glu271Lys (NM_001173455.2); c.697G>A, p.Glu233Lys (NM_001173456.2); c.790G>A (NM_000284.3); short protein forms E233K, E264K, E302K, E271K.
Identifiers: ClinVar variation 2128115 (VCV002128115.6), dbSNP rs767850573, ClinGen allele CA412394776.
Genomic context (GRCh38, chrX:19,355,716, plus strand): 5'-ATGCTTCGCCCCTCCCCTGTTTATTACCAGGTGGATGGAATGGATATCCTGTGCGTCCGA[G>A]AGGCAACAAGGTTTGCTGCTGCCTATTGTAGATCTGGGAAGGTAAGGCTCTAAAGCCCTC-3'
Protein context (NP_000275.1, residues 254-274): VDGMDILCVR[Glu264Lys]ATRFAAAYCR

ClinVar aggregate classification (germline): Uncertain significance. Review status: criteria provided, multiple submitters, no conflicts (2 of 4 stars). 2 submissions from 2 submitters: Uncertain significance (2). Last evaluated 2026-08-31.

Conditions:
Pyruvate dehydrogenase E1-alpha deficiency (PDHAD). Also called: ATAXIA, INTERMITTENT, WITH PYRUVATE DEHYDROGENASE DEFICIENCY; ATAXIA WITH LACTIC ACIDOSIS I; ATAXIA, INTERMITTENT, WITH ABNORMAL PYRUVATE METABOLISM; Ataxia, intermittent, with pyruvate dehydrogenase, or decarboxylase, deficiency. Identifiers: Orphanet 79243, MedGen C1839413, MONDO:0010717, OMIM 312170.

Submissions (2):

GeneDx
Classification: Uncertain significance. Last evaluated: 2026-08-31. Review status: criteria provided, single submitter. Criteria: GeneDx Variant Classification Process June 2021. Collection method: clinical testing. Allele origin: germline.
Comment: Not observed at significant frequency in large population cohorts (gnomAD); In silico analysis supports that this missense variant has a deleterious effect on protein structure/function; Has not been previously published as pathogenic or benign to our knowledge

Labcorp Genetics (formerly Invitae), Labcorp
Classification: Uncertain significance for Pyruvate dehydrogenase E1-alpha deficiency. Last evaluated: 2025-03-17. Review status: criteria provided, single submitter. Criteria: Invitae Variant Classification Sherloc (09022015). Collection method: clinical testing. Allele origin: germline.
Comment: This sequence change replaces glutamic acid, which is acidic and polar, with lysine, which is basic and polar, at codon 264 of the PDHA1 protein (p.Glu264Lys). This variant is not present in population databases (gnomAD no frequency). This variant has not been reported in the literature in individuals affected with PDHA1-related conditions. ClinVar contains an entry for this variant (Variation ID: 2128115). Invitae Evidence Modeling of protein sequence and biophysical properties (such as structural, functional, and spatial information, amino acid conservation, physicochemical variation, residue mobility, and thermodynamic stability) indicates that this missense variant is expected to disrupt PDHA1 protein function with a positive predictive value of 95%. In summary, the available evidence is currently insufficient to determine the role of this variant in disease. Therefore, it has been classified as a Variant of Uncertain Significance.